The following is an entry in ClinVar:

ClinVar aggregate classification (germline): Uncertain significance. Review status: criteria provided, multiple submitters, no conflicts (2 of 4 stars). 2 submissions from 2 submitters: Uncertain significance (2). Last evaluated 2024-10-01.

Submissions (2):

Blueprint Genetics
Classification: Uncertain significance. Last evaluated: 2024-10-01. Review status: criteria provided, single submitter. Criteria: ACMG Guidelines, 2015. Collection method: clinical testing. Allele origin: germline.

Labcorp Genetics (formerly Invitae), Labcorp
Classification: Uncertain significance. Last evaluated: 2024-02-12. Review status: criteria provided, single submitter. Criteria: Invitae Variant Classification Sherloc (09022015). Collection method: clinical testing. Allele origin: germline.
Comment: This sequence change replaces arginine, which is basic and polar, with glycine, which is neutral and non-polar, at codon 2173 of the KMT2B protein (p.Arg2173Gly). This variant is not present in population databases (gnomAD no frequency). This variant has not been reported in the literature in individuals affected with KMT2B-related conditions. Advanced modeling of protein sequence and biophysical properties (such as structural, functional, and spatial information, amino acid conservation, physicochemical variation, residue mobility, and thermodynamic stability) performed at Invitae indicates that this missense variant is not expected to disrupt KMT2B protein function with a negative predictive value of 95%. In summary, the available evidence is currently insufficient to determine the role of this variant in disease. Therefore, it has been classified as a Variant of Uncertain Significance.

NM_014727.3(KMT2B):c.6517C>G (p.Arg2173Gly)

Gene: KMT2B (lysine methyltransferase 2B; plus strand). Cytogenetic location: 19q13.12.
Variant type: single nucleotide variant.
Coding change: c.6517C>G on transcript NM_014727.3 (MANE Select); coding-DNA position 6517, C replaced by G.
Protein change: p.Arg2173Gly; replaces arginine 2173 with glycine.
Molecular consequence: missense variant.
Genome position (GRCh38, 1-based): chr19:35,733,066, C>G. VCF-style: chr19-35733066-C-G. GRCh37 (hg19) VCF-style: chr19-36223967-C-G.
Other names: short protein forms R2173G.
Identifiers: ClinVar variation 2984913 (VCV002984913.4), dbSNP rs2146469805, ClinGen allele CA405429018.
Genomic context (GRCh38, chr19:35,733,066, plus strand): 5'-ACCGCCAGCCCAGCTGACCCCACCCGCACATTTGCCTGGCTCCCAGGGGCCCCAGGGGTC[C>G]GGGTGTTAAGCCTTGGCCCTGCCCCTGAGCCCCCCAAACCCGCCACATCCAAAATCATAC-3'
Protein context (NP_055542.1, residues 2163-2183): FAWLPGAPGV[Arg2173Gly]VLSLGPAPEP